The following is an entry in ClinVar:

NM_005477.3(HCN4):c.2210A>G (p.Gln737Arg)

Gene: HCN4 (hyperpolarization activated cyclic nucleotide gated potassium channel 4; minus strand). Cytogenetic location: 15q24.1.
Variant type: single nucleotide variant.
Coding change: c.2210A>G on transcript NM_005477.3 (MANE Select); coding-DNA position 2210, A replaced by G.
Protein change: p.Gln737Arg; replaces glutamine 737 with arginine.
Molecular consequence: missense variant.
Genome position (GRCh38, 1-based): chr15:73,323,883, T>C on the plus strand (A>G on the coding strand, the complement: HCN4 is on the minus strand). VCF-style: chr15-73323883-T-C. GRCh37 (hg19) VCF-style: chr15-73616224-T-C.
Other names: p.Gln737Arg; short protein forms Q737R.
Identifiers: ClinVar variation 412790 (VCV000412790.21), dbSNP rs146732972, ClinGen allele CA7649076.
Genomic context (GRCh38, chr15:73,323,883, plus strand): 5'-TGCGCGCAGTGGGCCATCTCCCGGTCATGCTGCACAATCTGCTGGATGATCTCATTCTCC[T>C]GGTAGTTGAAGACGCCGGAGTTGAGGTCGTGCTGGACTTTGTGGAGGAGGATGGAGTTCT-3'
Protein context (NP_005468.1, residues 727-747): HDLNSGVFNY[Gln737Arg]ENEIIQQIVQ

ClinVar aggregate classification (germline): Likely benign. Review status: criteria provided, multiple submitters, no conflicts (2 of 4 stars). 7 submissions from 7 submitters: Likely benign (7). Last evaluated 2026-01-27.

Conditions:
Cardiovascular phenotype. Identifiers: MedGen CN230736.
Brugada syndrome 8 (BRGDA8). Identifiers: Orphanet 130, MedGen C2751083, MONDO:0013148, OMIM 613123.

Allele frequency attached by ClinVar (database versions not stated): gnomAD exomes 0.00008 and 0.00018; ExAC 0.00021; gnomAD 0.00039 and 0.00043; ESP Exome Variant Server 0.00046; TOPMed 0.00049.
gnomAD v4.1: 191 of 1,604,082 alleles (0.012%); highest among the groups gnomAD compares: African/African-American, 0.15%; no homozygotes.

Submissions (7):

Labcorp Genetics (formerly Invitae), Labcorp
Classification: Likely benign for Brugada syndrome 8. Last evaluated: 2026-01-27. Review status: criteria provided, single submitter. Criteria: Invitae Variant Classification Sherloc (09022015). Collection method: clinical testing. Allele origin: germline.

Mayo Clinic Laboratories, Mayo Clinic
Classification: Likely benign. Last evaluated: 2025-09-15. Review status: criteria provided, single submitter. Criteria: ACMG Guidelines, 2015. Collection method: clinical testing. Allele origin: germline. Observed: 3 variant alleles.
Comment: BS1

Women's Health and Genetics/Laboratory Corporation of America, LabCorp
Classification: Likely benign. Last evaluated: 2025-06-12. Review status: criteria provided, single submitter. Criteria: LabCorp Variant Classification Summary - May 2015. Collection method: clinical testing. Allele origin: germline.

Molecular Diagnostic Laboratory for Inherited Cardiovascular Disease, Montreal Heart Institute
Classification: Likely benign. Last evaluated: 2025-04-09. Review status: criteria provided, single submitter. Criteria: ACMG Guidelines, 2015. Collection method: clinical testing. Allele origin: germline. Affected: no.

Blueprint Genetics
Classification: Likely benign. Last evaluated: 2024-10-08. Review status: criteria provided, single submitter. Criteria: ACMG Guidelines, 2015. Collection method: clinical testing. Allele origin: germline.

Ambry Genetics
Classification: Likely benign for Cardiovascular phenotype. Last evaluated: 2023-04-14. Review status: criteria provided, single submitter. Criteria: Ambry Variant Classification Scheme 2023. Collection method: clinical testing. Allele origin: germline.

GeneDx
Classification: Likely benign. Last evaluated: 2021-02-23. Review status: criteria provided, single submitter. Criteria: GeneDx Variant Classification Process June 2021. Collection method: clinical testing. Allele origin: germline. Affected: yes.

Literature cited by the submitters: PubMed 27930701 (cited by Mayo Clinic Laboratories, Mayo Clinic and Ambry Genetics).